The following is an entry in ClinVar:

ClinVar aggregate classification (germline): Uncertain significance (1 of 4 stars; one submission).

Conditions:
Arrhythmogenic right ventricular dysplasia 8 (ARVD8). Also called: Arrhythmogenic Right Ventricular Dysplasia/Cardiomyopathy 8; ARRHYTHMOGENIC RIGHT VENTRICULAR DYSPLASIA, FAMILIAL, 8; ARRHYTHMOGENIC RIGHT VENTRICULAR CARDIOMYOPATHY 8. Identifiers: MedGen C1843896, MONDO:0011831, OMIM 607450.
Arrhythmogenic cardiomyopathy with wooly hair and keratoderma. Also called: PALMOPLANTAR KERATODERMA WITH LEFT VENTRICULAR CARDIOMYOPATHY AND WOOLLY HAIR; Carvajal syndrome; Dilated cardiomyopathy with woolly hair and keratoderma; Arrhythmogenic cardiomyopathy with woolly hair and keratoderma. Identifiers: Orphanet 65282, MedGen C1854063, MONDO:0011581, OMIM 605676.

Submission:

Labcorp Genetics (formerly Invitae), Labcorp
Classification: Uncertain significance for Arrhythmogenic cardiomyopathy with wooly hair and keratoderma; Arrhythmogenic right ventricular dysplasia 8. Last evaluated: 2024-05-16. Review status: criteria provided, single submitter. Criteria: Invitae Variant Classification Sherloc (09022015). Collection method: clinical testing. Allele origin: germline.
Comment: This variant, c.7658_7663dup, results in the insertion of 2 amino acid(s) of the DSP protein (p.Ser2553_Leu2554dup), but otherwise preserves the integrity of the reading frame. This variant is not present in population databases (gnomAD no frequency). This variant has not been reported in the literature in individuals affected with DSP-related conditions. In summary, the available evidence is currently insufficient to determine the role of this variant in disease. Therefore, it has been classified as a Variant of Uncertain Significance.

NM_004415.4(DSP):c.7652GCCTCA[3] (p.Leu2554_Thr2555insSerLeu)

Gene: DSP (desmoplakin; plus strand). Cytogenetic location: 6p24.3.
Variant type: Microsatellite.
Coding change: c.7652GCCTCA[3] on transcript NM_004415.4 (MANE Select); three copies in a row of the 6-base unit GCCTCA starting at c.7652; the reference has two copies in a row; one copy, 6 bases duplicated.
Protein change: p.Leu2554_Thr2555insSerLeu.
Molecular consequence: inframe insertion.
Genome position (GRCh38, 1-based): chr6:7,584,920-7,584,925, GCCTCA duplicated; duplicating any 6 consecutive bases within chr6:7,584,912-7,584,925 gives the same sequence; the position shown is the placement nearest the transcript's 3' end. VCF-style (leftmost placement, unchanged base first): chr6-7584911-G-GCAGCCT. GRCh37 (hg19) VCF-style: chr6-7585144-G-GCAGCCT.
Other names: c.5855GCCTCA[3], p.Leu1955_Thr1956insSerLeu (NM_001008844.3); c.6323GCCTCA[3], p.Leu2111_Thr2112insSerLeu (NM_001319034.2).
Identifiers: ClinVar variation 3756386 (VCV003756386.2).